The following is an entry in ClinVar:

ClinVar aggregate classification (germline): Uncertain significance (1 of 4 stars; one submission).

Conditions:
DICER1-related tumor predisposition. Also called: DICER1-related pleuropulmonary blastoma cancer predisposition syndrome; DICER1 syndrome. Identifiers: Orphanet 284343, MedGen C3839822, MONDO:0100216.

Submission:

Labcorp Genetics (formerly Invitae), Labcorp
Classification: Uncertain significance for DICER1-related tumor predisposition. Last evaluated: 2024-02-14. Review status: criteria provided, single submitter. Criteria: Invitae Variant Classification Sherloc (09022015). Collection method: clinical testing. Allele origin: germline.
Comment: This sequence change replaces cysteine, which is neutral and slightly polar, with arginine, which is basic and polar, at codon 686 of the DICER1 protein (p.Cys686Arg). This variant is not present in population databases (gnomAD no frequency). This variant has not been reported in the literature in individuals affected with DICER1-related conditions. Advanced modeling of protein sequence and biophysical properties (such as structural, functional, and spatial information, amino acid conservation, physicochemical variation, residue mobility, and thermodynamic stability) performed at Invitae indicates that this missense variant is not expected to disrupt DICER1 protein function with a negative predictive value of 80%. In summary, the available evidence is currently insufficient to determine the role of this variant in disease. Therefore, it has been classified as a Variant of Uncertain Significance.

NM_177438.3(DICER1):c.2056T>C (p.Cys686Arg)

Gene: DICER1 (dicer 1, ribonuclease III; minus strand). Cytogenetic location: 14q32.13.
Variant type: single nucleotide variant.
Coding change: c.2056T>C on transcript NM_177438.3 (MANE Select); coding-DNA position 2056, T replaced by C.
Protein change: p.Cys686Arg; replaces cysteine 686 with arginine.
Molecular consequence: missense variant. On other transcripts: non-coding transcript variant (6).
Genome position (GRCh38, 1-based): chr14:95,112,232, A>G on the plus strand (T>C on the coding strand, the complement: DICER1 is on the minus strand). VCF-style: chr14-95112232-A-G. GRCh37 (hg19) VCF-style: chr14-95578569-A-G.
Other names: c.2056T>C, p.Cys686Arg (NM_001195573.1, NM_001271282.3, NM_001291628.2 and 12 more transcripts); c.1774T>C, p.Cys592Arg (NM_001395686.1); c.1651T>C, p.Cys551Arg (NM_001395687.1, NM_001395688.1, NM_001395689.1 and 3 more transcripts); c.1489T>C, p.Cys497Arg (NM_001395691.1); c.373T>C, p.Cys125Arg (NM_001395697.1); short protein forms C497R, C592R, C551R, C125R, C686R.
Identifiers: ClinVar variation 3640673 (VCV003640673.2).
Genomic context (GRCh38, chr14:95,112,232, plus strand): 5'-CAATTTTGTGCAGTTTCTCACAGCAAATGAGAGCTACAACTCTTTCAGCCAATCGTACAC[A>G]GCTCATTGGTGGACCCTGAAAATAACAAAAACCTTTCCATTATATATGCACATCGCTGTA-3'
Protein context (NP_803187.1, residues 676-696): RASIVGPPMS[Cys686Arg]VRLAERVVAL